The following is an entry in ClinVar:

ClinVar aggregate classification (germline): Pathogenic (1 of 4 stars; one submission).

Conditions:
Familial intrahepatic cholestasis. Identifiers: Orphanet 284385, MedGen CN296401, MONDO:0017290.

Submission:

Genomenon, Inc
Classification: Pathogenic for Familial intrahepatic cholestasis. Last evaluated: 2026-04-14. Review status: criteria provided, single submitter. Criteria: Genomenon Sequence Variant Interpretation Standards - Updated. Collection method: curation. Allele origin: germline. Affected: yes.
Comment: ABCB11 c.99-1G>T is a canonical splice variant affecting the acceptor splice site of intron 3. It is predicted to affect mRNA splicing, leading to a deleterious effect on the ABCB11 protein. This variant has been observed in at least one proband with an ABCB11-related disorder (PMID:28733223). It is absent or not present at a significant frequency in gnomAD. In conclusion, we classify ABCB11 c.99-1G>T as a pathogenic variant.

Literature cited by the submitters: PubMed 28733223.

NM_003742.4(ABCB11):c.99-1G>T

Gene: ABCB11 (ATP binding cassette subfamily B member 11; minus strand). Cytogenetic location: 2q31.1.
Variant type: single nucleotide variant.
Coding change: c.99-1G>T on transcript NM_003742.4 (MANE Select); the canonical splice acceptor site of the intron before coding-DNA position 99, G replaced by T.
Molecular consequence: splice acceptor variant.
Genome position (GRCh38, 1-based): chr2:169,014,355, C>A on the plus strand (G>T on the coding strand, the complement: ABCB11 is on the minus strand). VCF-style: chr2-169014355-C-A. GRCh37 (hg19) VCF-style: chr2-169870865-C-A.
Identifiers: ClinVar variation 4846726 (VCV004846726.1).